The following is an entry in ClinVar:

ClinVar aggregate classification (germline): Pathogenic (1 of 4 stars; one submission).

Conditions:
CFI-related disorder. Also called: CFI-related condition; CFI-related disorders. Identifiers: MedGen CN239325.

gnomAD v4.1: 8 of 1,613,524 alleles (0.0005%); highest among the groups gnomAD compares: Non-Finnish European, 0.00068%; no homozygotes.

Submission:

Genomenon, Inc
Classification: Pathogenic for CFI-related disorder. Last evaluated: 2026-09-17. Review status: criteria provided, single submitter. Criteria: Genomenon Sequence Variant Interpretation Standards - Updated. Collection method: curation. Allele origin: germline. Affected: yes.
Comment: CFI p.Pro402Ser (c.1204C>T) is a missense variant that changes the amino acid at codon 402 from Proline to Serine. This variant has been observed in at least one proband affected with a CFI-related disorder (PMID:32510551;37954579). At least one functional study has demonstrated a substantial alteration in protein function relative to the wild-type (PMID:37954579). This variant is located in a mutational hotspot and/or important functional domain. It is absent or not present at a significant frequency in gnomAD. In silico models predict that this variant is not damaging. In conclusion, we classify CFI p.Pro402Ser (c.1204C>T) as a pathogenic variant.

Literature cited by the submitters: PubMed 32510551; PubMed 37954579.

NM_000204.5(CFI):c.1204C>T (p.Pro402Ser)

Gene: CFI (complement factor I; minus strand). Cytogenetic location: 4q25.
Variant type: single nucleotide variant.
Coding change: c.1204C>T on transcript NM_000204.5 (MANE Select); coding-DNA position 1204, C replaced by T.
Protein change: p.Pro402Ser; replaces proline 402 with serine.
Molecular consequence: missense variant. On other transcripts: non-coding transcript variant (2).
Genome position (GRCh38, 1-based): chr4:109,746,447, G>A on the plus strand (C>T on the coding strand, the complement: CFI is on the minus strand). VCF-style: chr4-109746447-G-A. GRCh37 (hg19) VCF-style: chr4-110667603-G-A.
Other names: c.1228C>T, p.Pro410Ser (NM_001318057.2, NM_001375278.1, NM_001440988.1); c.1183C>T, p.Pro395Ser (NM_001331035.2, NM_001375280.1, NM_001375282.1 and 1 more transcripts); c.1204C>T, p.Pro402Ser (NM_001375279.1, NM_001375281.1, NM_001440989.1); c.1147C>T, p.Pro383Ser (NM_001375283.1); c.595C>T, p.Pro199Ser (NM_001375284.1); c.1225C>T, p.Pro409Ser (NM_001440985.1, NM_001440986.1); short protein forms P199S, P383S, P395S, P402S, P409S, P410S.
Identifiers: ClinVar variation 4280522 (VCV004280522.2).
Genomic context (GRCh38, chr4:109,746,447, plus strand): 5'-TGTAGTTTTCATGGAAAATAATTCTATCCACGTATTCAATTACTATACGTTTAAGGTCGG[G>A]GTGTATCCAGTCTACTACTGTTGTCCATATTTGGTAACGATGAGTTTTACTGGCTCTATA-3'
Protein context (NP_000195.3, residues 392-412): IWTTVVDWIH[Pro402Ser]DLKRIVIEYV